The following is an entry in ClinVar:

NM_015072.5(TTLL5):c.1987C>T (p.Gln663Ter)

Gene: TTLL5 (tubulin tyrosine ligase like 5; plus strand). Cytogenetic location: 14q24.3.
Variant type: single nucleotide variant.
Coding change: c.1987C>T on transcript NM_015072.5 (MANE Select); coding-DNA position 1987, C replaced by T.
Protein change: p.Gln663Ter; replaces glutamine 663 with a stop codon.
Molecular consequence: nonsense.
Genome position (GRCh38, 1-based): chr14:75,766,340, C>T. VCF-style: chr14-75766340-C-T. GRCh37 (hg19) VCF-style: chr14-76232683-C-T.
Other names: short protein forms Q663*.
Identifiers: ClinVar variation 1401570 (VCV001401570.6), dbSNP rs754048173, ClinGen allele CA7279563.

ClinVar aggregate classification (germline): Pathogenic (1 of 4 stars; one submission).

Allele frequency attached by ClinVar (database versions not stated): gnomAD exomes below 0.00001; ExAC 0.00001; gnomAD 0.00001; TOPMed 0.00001.
gnomAD v4.1: 2 of 1,612,212 alleles (0.00012%); highest among the groups gnomAD compares: African/African-American, 0.0013%; no homozygotes.

Submission:

Labcorp Genetics (formerly Invitae), Labcorp
Classification: Pathogenic. Last evaluated: 2022-08-09. Review status: criteria provided, single submitter. Criteria: Invitae Variant Classification Sherloc (09022015). Collection method: clinical testing. Allele origin: germline.
Comment: For these reasons, this variant has been classified as Pathogenic. ClinVar contains an entry for this variant (Variation ID: 1401570). This variant has not been reported in the literature in individuals affected with TTLL5-related conditions. This variant is present in population databases (rs754048173, gnomAD 0.007%). This sequence change creates a premature translational stop signal (p.Gln663*) in the TTLL5 gene. It is expected to result in an absent or disrupted protein product. Loss-of-function variants in TTLL5 are known to be pathogenic (PMID: 24791901, 27162334).

Literature cited by the submitters: PubMed 24791901; PubMed 27162334.